The following is an entry in ClinVar:

NM_001112741.2(KCNC1):c.1529C>T (p.Ala510Val)

Gene: KCNC1 (potassium voltage-gated channel subfamily C member 1; plus strand). Cytogenetic location: 11p15.1.
Variant type: single nucleotide variant.
Coding change: c.1529C>T on transcript NM_001112741.2 (MANE Select); coding-DNA position 1529, C replaced by T.
Protein change: p.Ala510Val; replaces alanine 510 with valine.
Molecular consequence: missense variant.
Genome position (GRCh38, 1-based): chr11:17,779,480, C>T. VCF-style: chr11-17779480-C-T. GRCh37 (hg19) VCF-style: chr11-17801027-C-T.
Other names: short protein forms A510V.
Identifiers: ClinVar variation 946569 (VCV000946569.12), dbSNP rs1849322367, ClinGen allele CA379814035.
Genomic context (GRCh38, chr11:17,779,480, plus strand): 5'-TCAGTGTCTCAATAGCTTCTGCTTATATGTTTGAAGATTCCAAACTGAATGGGGAGGTGG[C>T]GAAGGCCGCGCTGGCGAACGAAGACTGCCCCCACATAGACCAGGCCCTCACTCCCGATGA-3'
Protein context (NP_001106212.1, residues 500-520): RADSKLNGEV[Ala510Val]KAALANEDCP

ClinVar aggregate classification (germline): Uncertain significance. Review status: criteria provided, multiple submitters, no conflicts (2 of 4 stars). 2 submissions from 2 submitters: Uncertain significance (2). Last evaluated 2026-01-04.

Conditions:
Progressive myoclonic epilepsy type 7. Identifiers: Orphanet 435438, MedGen C4015420, MONDO:0014521, OMIM 616187.

gnomAD v4.1: 1 of 1,548,914 alleles (0.000065%); highest among the groups gnomAD compares: Non-Finnish European, 0.000087%; no homozygotes.

Submissions (2):

Dasa
Classification: Uncertain significance. Last evaluated: 2026-01-04. Review status: criteria provided, single submitter. Criteria: DASA Assertion Criteria. Collection method: clinical testing. Allele origin: germline.
Comment: NM_001112741.2(KCNC1):c.1529C>T (p.Ala510Val) is a missense variant that results in the substitution of alanine with valine. This variant is rare in population databases. The currently available literature and clinical evidence are not sufficient to establish a definitive association between this variant and the reported condition. Therefore, this variant is classified as a variant of uncertain significance.

Labcorp Genetics (formerly Invitae), Labcorp
Classification: Uncertain significance for Progressive myoclonic epilepsy type 7. Last evaluated: 2022-08-09. Review status: criteria provided, single submitter. Criteria: Invitae Variant Classification Sherloc (09022015). Collection method: clinical testing. Allele origin: germline.
Comment: In summary, the available evidence is currently insufficient to determine the role of this variant in disease. Therefore, it has been classified as a Variant of Uncertain Significance. Advanced modeling of protein sequence and biophysical properties (such as structural, functional, and spatial information, amino acid conservation, physicochemical variation, residue mobility, and thermodynamic stability) performed at Invitae indicates that this missense variant is expected to disrupt KCNC1 protein function. ClinVar contains an entry for this variant (Variation ID: 946569). This variant has not been reported in the literature in individuals affected with KCNC1-related conditions. This variant is not present in population databases (gnomAD no frequency). This sequence change replaces alanine, which is neutral and non-polar, with valine, which is neutral and non-polar, at codon 510 of the KCNC1 protein (p.Ala510Val).